The following is an entry in ClinVar:

ClinVar aggregate classification (germline): Uncertain significance (1 of 4 stars; one submission).

gnomAD v4.1: 105 of 1,613,792 alleles (0.0065%); highest among the groups gnomAD compares: Middle Eastern, 0.35%; no homozygotes.

Submission:

Clinical Genomics Laboratory, Washington University in St. Louis
Classification: Uncertain significance. Last evaluated: 2025-12-29. Review status: criteria provided, single submitter. Criteria: ACMG Guidelines, 2015. Collection method: clinical testing. Allele origin: germline.
Comment: A GNA14 c.616C>T (p.Arg206*) variant was identified at a near heterozygous allelic fraction of 48.9%, a frequency which may be consistent with it being of germline origin. This variant, to our knowledge, has not been reported in the medical literature or the ClinVar database. This variant is observed in 105/1,613,792 alleles in the general population (gnomAD v4.1.0). Due to limited information, and based on ACMG/AMP guidelines for variant interpretation (Richards S et al., PMID: 25741868), the clinical significance of this variant is uncertain at this time.

NM_004297.4(GNA14):c.616C>T (p.Arg206Ter)

Gene: GNA14 (G protein subunit alpha 14; minus strand). Cytogenetic location: 9q21.2.
Variant type: single nucleotide variant.
Coding change: c.616C>T on transcript NM_004297.4 (MANE Select); coding-DNA position 616, C replaced by T.
Protein change: p.Arg206Ter; replaces arginine 206 with a stop codon.
Molecular consequence: nonsense.
Genome position (GRCh38, 1-based): chr9:77,429,014, G>A on the plus strand (C>T on the coding strand, the complement: GNA14 is on the minus strand). VCF-style: chr9-77429014-G-A. GRCh37 (hg19) VCF-style: chr9-80043930-G-A.
Other names: short protein forms R206*.
Identifiers: ClinVar variation 4974613 (VCV004974613.1).